The following is an entry in ClinVar:

NC_012920.1(MT-ATP8):m.8471C>T

Gene: MT-ATP8 (mitochondrially encoded ATP synthase 8; plus strand).
Variant type: single nucleotide variant.
Genome position: chrM-8471-C-T.
Identifiers: ClinVar variation 692868 (VCV000692868.1), dbSNP rs1603221506, ClinGen allele CA414796241.

ClinVar aggregate classification (germline): Likely benign (1 of 4 stars; one submission).

Conditions:
Leigh syndrome (NULS). Also called: Leigh's necrotizing encephalopathy; Leigh's disease; Leigh Syndrome (mtDNA deletion); Leigh Disease; Subacute necrotizing encephalopathy; Necrotizing encephalopathy infantile subacute of Leigh. Identifiers: Orphanet 506, MedGen C2931891, MONDO:0009723, OMIM 256000.

Submission:

Wong Mito Lab, Molecular and Human Genetics, Baylor College of Medicine
Classification: Likely benign for Leigh syndrome. Last evaluated: 2019-10-17. Review status: criteria provided, single submitter. Criteria: Modified ACMG Guidelines (Unpublished). Collection method: clinical testing. Allele origin: germline.
Comment: The NC_012920.1:m.8471C>T (YP_003024030.1:p.Pro36Ser) variant in MTATP8 gene is interpretated to be a Likely Benign variant based on the modified ACMG guidelines (unpublished). This variant meets the following evidence codes: BS2, BP4